The following is an entry in ClinVar:

NM_005529.7(HSPG2):c.1676C>G (p.Ala559Gly)

Gene: HSPG2 (heparan sulfate proteoglycan 2; minus strand). Cytogenetic location: 1p36.12.
Variant type: single nucleotide variant.
Coding change: c.1676C>G on transcript NM_005529.7 (MANE Select); coding-DNA position 1676, C replaced by G.
Protein change: p.Ala559Gly; replaces alanine 559 with glycine.
Molecular consequence: missense variant.
Genome position (GRCh38, 1-based): chr1:21,881,481, G>C on the plus strand (C>G on the coding strand, the complement: HSPG2 is on the minus strand). VCF-style: chr1-21881481-G-C. GRCh37 (hg19) VCF-style: chr1-22207974-G-C.
Other names: c.1679C>G, p.Ala560Gly (NM_001291860.2); short protein forms A559G, A560G.
Identifiers: ClinVar variation 875818 (VCV000875818.8), dbSNP rs748179999, ClinGen allele CA19155450.

ClinVar aggregate classification (germline): Uncertain significance. Review status: criteria provided, multiple submitters, no conflicts (2 of 4 stars). 4 submissions from 3 submitters: Uncertain significance (4). Last evaluated 2024-06-11.

Conditions:
Schwartz-Jampel syndrome. Also called: Myotonic myopathy dwarfism chondrodystrophy and ocular and facial abnormalities. Identifiers: Orphanet 800, MedGen C0036391, MONDO:0009717.
Lethal Kniest-like syndrome (DDSH). Also called: Dyssegmental Dysplasia. Identifiers: Orphanet 1865, MedGen C1857100, MONDO:0009140, OMIM 224410.
Inborn genetic diseases. Identifiers: MedGen C0950123, MeSH D030342.

Allele frequency attached by ClinVar (database versions not stated): gnomAD 0.00001 and 0.00003; TOPMed 0.00001.
gnomAD v4.1: 84 of 1,612,324 alleles (0.0052%); highest among the groups gnomAD compares: East Asian, 0.18%; 1 homozygote.

Submissions (4):

Ambry Genetics
Classification: Uncertain significance for Inborn genetic diseases. Last evaluated: 2024-06-11. Review status: criteria provided, single submitter. Criteria: Ambry Variant Classification Scheme 2023. Collection method: clinical testing. Allele origin: germline.

Labcorp Genetics (formerly Invitae), Labcorp
Classification: Uncertain significance. Last evaluated: 2021-12-23. Review status: criteria provided, single submitter. Criteria: Invitae Variant Classification Sherloc (09022015). Collection method: clinical testing. Allele origin: germline.
Comment: This sequence change replaces alanine, which is neutral and non-polar, with glycine, which is neutral and non-polar, at codon 559 of the HSPG2 protein (p.Ala559Gly). This variant is present in population databases (no rsID available, gnomAD 0.01%). This variant has not been reported in the literature in individuals affected with HSPG2-related conditions. ClinVar contains an entry for this variant (Variation ID: 875818). Algorithms developed to predict the effect of missense changes on protein structure and function (SIFT, PolyPhen-2, Align-GVGD) all suggest that this variant is likely to be tolerated. In summary, the available evidence is currently insufficient to determine the role of this variant in disease. Therefore, it has been classified as a Variant of Uncertain Significance.

Illumina Laboratory Services, Illumina
Classification: Uncertain significance for Lethal Kniest-like syndrome. Last evaluated: 2018-01-13. Review status: criteria provided, single submitter. Criteria: ICSL Variant Classification Criteria 13 December 2019. Collection method: clinical testing. Allele origin: germline.

Illumina Laboratory Services, Illumina
Classification: Uncertain significance for Schwartz-Jampel syndrome type 1. Last evaluated: 2018-01-13. Review status: criteria provided, single submitter. Criteria: ICSL Variant Classification Criteria 13 December 2019. Collection method: clinical testing. Allele origin: germline.